The following is an entry in ClinVar:

ClinVar aggregate classification (germline): Uncertain significance. Review status: criteria provided, multiple submitters, no conflicts (2 of 4 stars). 2 submissions from 2 submitters: Uncertain significance (2). Last evaluated 2024-05-15.

Conditions:
Hereditary cancer-predisposing syndrome. Also called: Tumor predisposition; Hereditary Cancer Syndrome; Neoplastic Syndromes, Hereditary; Hereditary neoplastic syndrome. Identifiers: Orphanet 140162, MedGen C0027672, MeSH D009386, MONDO:0015356.
Rhabdoid tumor predisposition syndrome 2 (RTPS2). Identifiers: Orphanet 231108, Orphanet 69077, MedGen C2750074, MONDO:0013224, OMIM 613325.

Submissions (2):

Labcorp Genetics (formerly Invitae), Labcorp
Classification: Uncertain significance for Rhabdoid tumor predisposition syndrome 2. Last evaluated: 2024-05-15. Review status: criteria provided, single submitter. Criteria: Invitae Variant Classification Sherloc (09022015). Collection method: clinical testing. Allele origin: germline.
Comment: This sequence change replaces serine, which is neutral and polar, with threonine, which is neutral and polar, at codon 350 of the SMARCA4 protein (p.Ser350Thr). This variant is not present in population databases (gnomAD no frequency). This variant has not been reported in the literature in individuals affected with SMARCA4-related conditions. ClinVar contains an entry for this variant (Variation ID: 822073). Advanced modeling of protein sequence and biophysical properties (such as structural, functional, and spatial information, amino acid conservation, physicochemical variation, residue mobility, and thermodynamic stability) performed at Invitae indicates that this missense variant is not expected to disrupt SMARCA4 protein function with a negative predictive value of 95%. In summary, the available evidence is currently insufficient to determine the role of this variant in disease. Therefore, it has been classified as a Variant of Uncertain Significance.

Ambry Genetics
Classification: Uncertain significance for Hereditary cancer-predisposing syndrome. Last evaluated: 2019-04-24. Review status: criteria provided, single submitter. Criteria: Ambry Variant Classification Scheme 2023. Collection method: clinical testing. Allele origin: germline.
Comment: The p.S350T variant (also known as c.1049G>C), located in coding exon 5 of the SMARCA4 gene, results from a G to C substitution at nucleotide position 1049. The serine at codon 350 is replaced by threonine, an amino acid with similar properties. This amino acid position is not well conserved in available vertebrate species. In addition, this alteration is predicted to be tolerated by in silico analysis. Since supporting evidence is limited at this time, the clinical significance of this alteration remains unclear.

NM_003072.5(SMARCA4):c.1049G>C (p.Ser350Thr)

Gene: SMARCA4 (SWI/SNF related BAF chromatin remodeling complex subunit ATPase 4; plus strand). Cytogenetic location: 19p13.2.
Variant type: single nucleotide variant.
Coding change: c.1049G>C on transcript NM_003072.5 (MANE Select); coding-DNA position 1049, G replaced by C.
Protein change: p.Ser350Thr; replaces serine 350 with threonine.
Molecular consequence: missense variant. On other transcripts: non-coding transcript variant (1).
Genome position (GRCh38, 1-based): chr19:10,987,855, G>C. VCF-style: chr19-10987855-G-C. GRCh37 (hg19) VCF-style: chr19-11098531-G-C.
Other names: c.1049G>C, p.Ser350Thr (NM_001128844.3, NM_001128845.2, NM_001128846.2 and 4 more transcripts); short protein forms S350T.
Identifiers: ClinVar variation 822073 (VCV000822073.6), dbSNP rs1599971004, ClinGen allele CA404058709.
Genomic context (GRCh38, chr19:10,987,855, plus strand): 5'-CCCAGTCCCCCGGGCAGCCGGCCCAGCCCGCGCCCATGGTGCCACTGCACCAGAAGCAGA[G>C]CCGCATCACCCCCATCCAGAAGCCGCGGGGCCTCGACCCTGTGGAGATCCTGCAGGAGCG-3'
Protein context (NP_003063.2, residues 340-360): APMVPLHQKQ[Ser350Thr]RITPIQKPRG